The following is an entry in ClinVar:

ClinVar aggregate classification (germline): Uncertain significance (1 of 4 stars; one submission).

Submission:

GeneDx
Classification: Uncertain significance. Last evaluated: 2026-02-24. Review status: criteria provided, single submitter. Criteria: GeneDx Variant Classification Process June 2021. Collection method: clinical testing. Allele origin: germline.
Comment: Not observed at significant frequency in large population cohorts (gnomAD); Has not been previously published as pathogenic or benign to our knowledge; In silico analysis suggests that this missense variant does not alter protein structure/function; In silico analysis is inconclusive as to whether the variant alters gene splicing. In the absence of RNA/functional studies, the actual effect of this sequence change is unknown.

NM_015570.4(AUTS2):c.1831A>T (p.Thr611Ser)

Gene: AUTS2 (activator of transcription and developmental regulator AUTS2; plus strand). Cytogenetic location: 7q11.22.
Variant type: single nucleotide variant.
Coding change: c.1831A>T on transcript NM_015570.4 (MANE Select); coding-DNA position 1831, A replaced by T.
Protein change: p.Thr611Ser; replaces threonine 611 with serine.
Molecular consequence: missense variant. On other transcripts: intron variant (1).
Genome position (GRCh38, 1-based): chr7:70,774,028, A>T. VCF-style: chr7-70774028-A-T. GRCh37 (hg19) VCF-style: chr7-70239014-A-T.
Other names: c.1831-1329A>T (NM_001127231.3); short protein forms T611S.
Identifiers: ClinVar variation 5009692 (VCV005009692.1).
Genomic context (GRCh38, chr7:70,774,028, plus strand): 5'-TTGCTTTCATGTCACCTGTTTTGTGCTTCCTAAGTAAGCTGTGGTCTAATTAATTTGTAG[A>T]CATCCAACCCTATCGATGTCGCTGCTCGGCCTGGGACAGTCCCACACACTTTACTCCAAA-3'
Protein context (NP_056385.1, residues 601-621): GSLQGAFQPK[Thr611Ser]SNPIDVAARP